The following is an entry in ClinVar:

NM_005546.4(ITK):c.1283A>G (p.Gln428Arg)

Gene: ITK (IL2 inducible T cell kinase; plus strand). Cytogenetic location: 5q33.3.
Variant type: single nucleotide variant.
Coding change: c.1283A>G on transcript NM_005546.4 (MANE Select); coding-DNA position 1283, A replaced by G.
Protein change: p.Gln428Arg; replaces glutamine 428 with arginine.
Molecular consequence: missense variant.
Genome position (GRCh38, 1-based): chr5:157,244,312, A>G. VCF-style: chr5-157244312-A-G. GRCh37 (hg19) VCF-style: chr5-156671322-A-G.
Other names: short protein forms Q428R.
Identifiers: ClinVar variation 1041708 (VCV001041708.8), dbSNP rs1754976541, ClinGen allele CA361961283.

ClinVar aggregate classification (germline): Uncertain significance (1 of 4 stars; one submission).

Conditions:
Lymphoproliferative syndrome 1 (LPFS1). Identifiers: Orphanet 238505, Orphanet 538963, MedGen C3552634, MONDO:0013081, OMIM 613011.

Submission:

Labcorp Genetics (formerly Invitae), Labcorp
Classification: Uncertain significance for Lymphoproliferative syndrome 1. Last evaluated: 2020-08-22. Review status: criteria provided, single submitter. Criteria: Invitae Variant Classification Sherloc (09022015). Collection method: clinical testing. Allele origin: germline.
Comment: Advanced modeling of protein sequence and biophysical properties (such as structural, functional, and spatial information, amino acid conservation, physicochemical variation, residue mobility, and thermodynamic stability) performed at Invitae indicates that this missense variant is not expected to disrupt ITK protein function. In summary, the available evidence is currently insufficient to determine the role of this variant in disease. Therefore, it has been classified as a Variant of Uncertain Significance. This variant has not been reported in the literature in individuals with ITK-related conditions. This variant is not present in population databases (ExAC no frequency). This sequence change replaces glutamine with arginine at codon 428 of the ITK protein (p.Gln428Arg). The glutamine residue is moderately conserved and there is a small physicochemical difference between glutamine and arginine.